The following is an entry in ClinVar:

ClinVar aggregate classification (germline): Likely pathogenic (1 of 4 stars; one submission).

Conditions:
XIAP-related disorder. Also called: XIAP-related condition.

Submission:

PreventionGenetics, part of Exact Sciences
Classification: Likely pathogenic for XIAP-related condition. Last evaluated: 2023-05-30. Review status: criteria provided, single submitter. Criteria: ACMG Guidelines, 2015. Collection method: clinical testing. Allele origin: germline.
Comment: The XIAP c.977+1G>A variant is predicted to disrupt the GT donor site and interfere with normal splicing. To our knowledge, this variant has not been reported in the literature or in a large population database, indicating this variant is rare. Variants that disrupt the consensus splice donor site in XIAP are expected to be pathogenic. This variant is interpreted as likely pathogenic.

NM_001167.4(XIAP):c.977+1G>A

Gene: XIAP (X-linked inhibitor of apoptosis; plus strand). Cytogenetic location: Xq25.
Variant type: single nucleotide variant.
Coding change: c.977+1G>A on transcript NM_001167.4 (MANE Select); the canonical splice donor site of the intron after coding-DNA position 977, G replaced by A.
Molecular consequence: splice donor variant.
Genome position (GRCh38, 1-based): chrX:123,888,719, G>A. VCF-style: chrX-123888719-G-A. GRCh37 (hg19) VCF-style: chrX-123022569-G-A.
Other names: c.977+1G>A (NM_001378592.1, NM_001378591.1, NM_001204401.2 and 1 more transcripts).
Identifiers: ClinVar variation 2632354 (VCV002632354.1), dbSNP rs2522590553, ClinGen allele CA414125391.